The following is an entry in ClinVar:

NM_006506.5(RASA2):c.2203C>T (p.Leu735Phe)

Gene: RASA2 (RAS p21 protein activator 2; plus strand). Cytogenetic location: 3q23.
Variant type: single nucleotide variant.
Coding change: c.2203C>T on transcript NM_006506.5 (MANE Select); coding-DNA position 2203, C replaced by T.
Protein change: p.Leu735Phe; replaces leucine 735 with phenylalanine.
Molecular consequence: missense variant.
Genome position (GRCh38, 1-based): chr3:141,608,675, C>T. VCF-style: chr3-141608675-C-T. GRCh37 (hg19) VCF-style: chr3-141327517-C-T.
Other names: c.2206C>T, p.Leu736Phe (NM_001303245.3); c.2215C>T, p.Leu739Phe (NM_001303246.3); short protein forms L735F, L739F, L736F.
Identifiers: ClinVar variation 2103915 (VCV002103915.4), dbSNP rs776550552, ClinGen allele CA354775294.

ClinVar aggregate classification (germline): Uncertain significance (1 of 4 stars; one submission).

Submission:

Labcorp Genetics (formerly Invitae), Labcorp
Classification: Uncertain significance. Last evaluated: 2024-10-22. Review status: criteria provided, single submitter. Criteria: Invitae Variant Classification Sherloc (09022015). Collection method: clinical testing. Allele origin: germline.
Comment: This sequence change replaces leucine, which is neutral and non-polar, with phenylalanine, which is neutral and non-polar, at codon 735 of the RASA2 protein (p.Leu735Phe). This variant is present in population databases (no rsID available, gnomAD 0.0009%). This variant has not been reported in the literature in individuals affected with RASA2-related conditions. ClinVar contains an entry for this variant (Variation ID: 2103915). Invitae Evidence Modeling of protein sequence and biophysical properties (such as structural, functional, and spatial information, amino acid conservation, physicochemical variation, residue mobility, and thermodynamic stability) indicates that this missense variant is not expected to disrupt RASA2 protein function with a negative predictive value of 80%. In summary, the available evidence is currently insufficient to determine the role of this variant in disease. Therefore, it has been classified as a Variant of Uncertain Significance.